The following is an entry in ClinVar:

ClinVar aggregate classification (germline): Uncertain significance (1 of 4 stars; one submission).

Conditions:
Combined immunodeficiency due to OX40 deficiency. Also called: Immunodeficiency 16; OX40 DEFICIENCY. Identifiers: Orphanet 431149, MedGen C3810053, MONDO:0014268, OMIM 615593.

Submission:

Labcorp Genetics (formerly Invitae), Labcorp
Classification: Uncertain significance for Combined immunodeficiency due to OX40 deficiency. Last evaluated: 2026-01-26. Review status: criteria provided, single submitter. Criteria: Invitae Variant Classification Sherloc (09022015). Collection method: clinical testing. Allele origin: germline.
Comment: This sequence change replaces alanine, which is neutral and non-polar, with aspartic acid, which is acidic and polar, at codon 126 of the TNFRSF4 protein (p.Ala126Asp). This variant is not present in population databases (gnomAD no frequency). This variant has not been reported in the literature in individuals affected with TNFRSF4-related conditions. Invitae Evidence Modeling of protein sequence and biophysical properties (such as structural, functional, and spatial information, amino acid conservation, physicochemical variation, residue mobility, and thermodynamic stability) indicates that this missense variant is not expected to disrupt TNFRSF4 protein function with a negative predictive value of 80%. In summary, the available evidence is currently insufficient to determine the role of this variant in disease. Therefore, it has been classified as a Variant of Uncertain Significance.

NM_003327.4(TNFRSF4):c.377C>A (p.Ala126Asp)

Gene: TNFRSF4 (TNF receptor superfamily member 4; minus strand). Cytogenetic location: 1p36.33.
Variant type: single nucleotide variant.
Coding change: c.377C>A on transcript NM_003327.4 (MANE Select); coding-DNA position 377, C replaced by A.
Protein change: p.Ala126Asp; replaces alanine 126 with aspartic acid.
Molecular consequence: missense variant.
Genome position (GRCh38, 1-based): chr1:1,212,698, G>T on the plus strand (C>A on the coding strand, the complement: TNFRSF4 is on the minus strand). VCF-style: chr1-1212698-G-T. GRCh37 (hg19) VCF-style: chr1-1148078-G-T.
Other names: c.377C>A, p.Ala126Asp (NM_001410709.1); short protein forms A126D.
Identifiers: ClinVar variation 4694265 (VCV004694265.1).